The following is an entry in ClinVar:

NM_016604.4(KDM3B):c.5224C>T (p.His1742Tyr)

Gene: KDM3B (lysine demethylase 3B; plus strand). Cytogenetic location: 5q31.2.
Variant type: single nucleotide variant.
Coding change: c.5224C>T on transcript NM_016604.4 (MANE Select); coding-DNA position 5224, C replaced by T.
Protein change: p.His1742Tyr; replaces histidine 1742 with tyrosine.
Molecular consequence: missense variant.
Genome position (GRCh38, 1-based): chr5:138,435,638, C>T. VCF-style: chr5-138435638-C-T. GRCh37 (hg19) VCF-style: chr5-137771327-C-T.
Other names: short protein forms H1742Y.
Identifiers: ClinVar variation 3775876 (VCV003775876.1).
Genomic context (GRCh38, chr5:138,435,638, plus strand): 5'-ATGGGGCTGCTGTGAACTGACTTTGCTGTACACCTTCTCTAGGTGAAGAACATCATTTAC[C>T]ATGCAGTGAAAGATGCGGTTGGCACCCTCAAGGCTCATGAATCCAAACTGGCAAGGTCCT-3'
Protein context (NP_057688.3, residues 1732-1752): DKLQVKNIIY[His1742Tyr]AVKDAVGTLK

ClinVar aggregate classification (germline): Uncertain significance (1 of 4 stars; one submission).

Conditions:
Diets-Jongmans syndrome. Also called: INTELLECTUAL DEVELOPMENTAL DISORDER WITH DISTINCTIVE FACIAL DYSMORPHISM. Identifiers: MedGen C5394263, MONDO:0030012, OMIM 618846.

Submission:

3billion
Classification: Uncertain significance for Diets-Jongmans syndrome. Last evaluated: 2024-03-07. Review status: criteria provided, single submitter. Criteria: ACMG Guidelines, 2015. Collection method: clinical testing. Allele origin: germline. Affected: yes.
Comment: The variant is not observed in the gnomAD v2.1.1 dataset. Predicted Consequence/Location: Missense changes are a common disease-causing mechanism. In silico tool predictions suggest damaging effect of the variant on gene or gene product [REVEL: 0.62 (>=0.6, sensitivity 0.68 and specificity 0.92); 3Cnet: 0.47 (>=0.6, sensitivity 0.72 and precision 0.9)]. Therefore, this variant is classified as VUS according to the recommendation of ACMG/AMP guideline.